The following is an entry in ClinVar:

NM_003072.5(SMARCA4):c.3427_3429del (p.Asn1143del)

Gene: SMARCA4 (SWI/SNF related BAF chromatin remodeling complex subunit ATPase 4; plus strand). Cytogenetic location: 19p13.2.
Variant type: Deletion.
Coding change: c.3427_3429del on transcript NM_003072.5 (MANE Select); coding-DNA positions 3427 to 3429, 3 bases deleted (AAC; older notation c.3427_3429delAAC).
Protein change: p.Asn1143del; deletes asparagine 1143.
Molecular consequence: inframe deletion. On other transcripts: non-coding transcript variant (1).
Genome position (GRCh38, 1-based): chr19:11,030,774-11,030,776, AAC deleted; deleting any 3 consecutive bases within chr19:11,030,773-11,030,776 gives the same sequence; the c. name uses the placement nearest the transcript's 3' end. VCF-style (leftmost placement, unchanged base first): chr19-11030772-TCAA-T. GRCh37 (hg19) VCF-style: chr19-11141448-TCAA-T.
Other names: c.3427_3429del, p.Asn1143del (NM_001128844.3, NM_001128845.2, NM_001128846.2 and 4 more transcripts); short protein forms N1143del.
Identifiers: ClinVar variation 1001373 (VCV001001373.8), dbSNP rs2074872807, ClinGen allele CA2322729772.

ClinVar aggregate classification (germline): Uncertain significance (1 of 4 stars; one submission).

Conditions:
Rhabdoid tumor predisposition syndrome 2 (RTPS2). Identifiers: Orphanet 231108, Orphanet 69077, MedGen C2750074, MONDO:0013224, OMIM 613325.

Submission:

Labcorp Genetics (formerly Invitae), Labcorp
Classification: Uncertain significance for Rhabdoid tumor predisposition syndrome 2. Last evaluated: 2020-06-24. Review status: criteria provided, single submitter. Criteria: Invitae Variant Classification Sherloc (09022015). Collection method: clinical testing. Allele origin: germline.
Comment: In summary, the available evidence is currently insufficient to determine the role of this variant in disease. Therefore, it has been classified as a Variant of Uncertain Significance. This variant has not been reported in the literature in individuals with SMARCA4-related conditions. This variant is not present in population databases (ExAC no frequency). This variant, c.3427_3429del, results in the deletion of 1 amino acid(s) of the SMARCA4 protein (p.Asn1143del), but otherwise preserves the integrity of the reading frame.